The following is an entry in ClinVar:

NM_002076.4(GNS):c.*566A>G

Gene: GNS (glucosamine (N-acetyl)-6-sulfatase; minus strand). Cytogenetic location: 12q14.3.
Variant type: single nucleotide variant.
Coding change: c.*566A>G on transcript NM_002076.4 (MANE Select); 566 bases downstream of the stop codon, A replaced by G.
Molecular consequence: 3 prime UTR variant.
Genome position (GRCh38, 1-based): chr12:64,716,175, T>C on the plus strand (A>G on the coding strand, the complement: GNS is on the minus strand). VCF-style: chr12-64716175-T-C. GRCh37 (hg19) VCF-style: chr12-65109955-T-C.
Identifiers: ClinVar variation 310195 (VCV000310195.5), dbSNP rs17100604, ClinGen allele CA10643174.

ClinVar aggregate classification (germline): Benign (1 of 4 stars; one submission).

Conditions:
Mucopolysaccharidosis, MPS-III-D (MPS3D). Also called: MPS IIID (Sanfilippo Syndrome Type D); MPS III D; Mucopoly-saccharidosis type 3D; N-acetylglucosamine-6-sulfate sulfatase deficiency; MPS 3D; N-ACETYLGLUCOSAMINE-6-SULFATASE DEFICIENCY. Identifiers: Orphanet 581, Orphanet 79272, MedGen C0086650, MONDO:0009658, OMIM 252940.

Allele frequency attached by ClinVar (database versions not stated): 1000 Genomes Project 30x 0.03826; gnomAD 0.04303 and 0.03976; TOPMed 0.04491; gnomAD exomes 0.00355; 1000 Genomes Project 0.03494.
gnomAD v4.1: 6,069 of 171,660 alleles (3.5%); highest among the groups gnomAD compares: African/African-American, 14%; 404 homozygotes.

Submission:

Illumina Laboratory Services, Illumina
Classification: Benign for Mucopolysaccharidosis, MPS-III-D. Last evaluated: 2018-01-13. Review status: criteria provided, single submitter. Criteria: ICSL Variant Classification Criteria 13 December 2019. Collection method: clinical testing. Allele origin: germline.
Comment: This variant was observed in the ICSL laboratory as part of a predisposition screen in an ostensibly healthy population. It had not been previously curated by ICSL or reported in the Human Gene Mutation Database (HGMD: prior to June 1st, 2018), and was therefore a candidate for classification through an automated scoring system. Utilizing variant allele frequency, disease prevalence and penetrance estimates, and inheritance mode, an automated score was calculated to assess if this variant is too frequent to cause the disease. Based on the score and internal cut-off values, a variant classified as benign is not then subjected to further curation. The score for this variant resulted in a classification of benign for this disease.